The following is an entry in ClinVar:

NM_000340.2(SLC2A2):c.898T>C (p.Tyr300His)

Gene: SLC2A2 (solute carrier family 2 member 2; minus strand). Cytogenetic location: 3q26.2.
Variant type: single nucleotide variant.
Coding change: c.898T>C on transcript NM_000340.2 (MANE Select); coding-DNA position 898, T replaced by C.
Protein change: p.Tyr300His; replaces tyrosine 300 with histidine.
Molecular consequence: missense variant.
Genome position (GRCh38, 1-based): chr3:171,005,350, A>G on the plus strand (T>C on the coding strand, the complement: SLC2A2 is on the minus strand). VCF-style: chr3-171005350-A-G. GRCh37 (hg19) VCF-style: chr3-170723139-A-G.
Other names: c.541T>C, p.Tyr181His (NM_001278658.2); c.379T>C, p.Tyr127His (NM_001278659.2); short protein forms Y127H, Y181H, Y300H.
Identifiers: ClinVar variation 3319462 (VCV003319462.3).

ClinVar aggregate classification (germline): Uncertain significance. Review status: criteria provided, multiple submitters, no conflicts (2 of 4 stars). 2 submissions from 2 submitters: Uncertain significance (2). Last evaluated 2024-09-06.

Conditions:
Fanconi-Bickel syndrome (FBS). Also called: FANCONI SYNDROME WITH INTESTINAL MALABSORPTION AND GALACTOSE INTOLERANCE; Glycogen storage disease due to GLUT2 deficiency; HEPATIC GLYCOGENOSIS WITH AMINO ACIDURIA AND GLUCOSURIA; HEPATIC GLYCOGENOSIS WITH FANCONI NEPHROPATHY; HEPATORENAL GLYCOGENOSIS WITH RENAL FANCONI SYNDROME; PSEUDO-PHLORIZIN DIABETES. Identifiers: Orphanet 2088, MedGen C3495427, MONDO:0009216, OMIM 227810.
Inborn genetic diseases. Identifiers: MedGen C0950123, MeSH D030342.

gnomAD v4.1: 32 of 1,612,912 alleles (0.002%); highest among the groups gnomAD compares: South Asian, 0.035%; no homozygotes.

Submissions (2):

Labcorp Genetics (formerly Invitae), Labcorp
Classification: Uncertain significance for Fanconi-Bickel syndrome. Last evaluated: 2024-09-06. Review status: criteria provided, single submitter. Criteria: Invitae Variant Classification Sherloc (09022015). Collection method: clinical testing. Allele origin: germline.
Comment: This sequence change replaces tyrosine, which is neutral and polar, with histidine, which is basic and polar, at codon 300 of the SLC2A2 protein (p.Tyr300His). This variant is present in population databases (rs769325995, gnomAD 0.03%). This variant has not been reported in the literature in individuals affected with SLC2A2-related conditions. Invitae Evidence Modeling of protein sequence and biophysical properties (such as structural, functional, and spatial information, amino acid conservation, physicochemical variation, residue mobility, and thermodynamic stability) indicates that this missense variant is not expected to disrupt SLC2A2 protein function with a negative predictive value of 80%. In summary, the available evidence is currently insufficient to determine the role of this variant in disease. Therefore, it has been classified as a Variant of Uncertain Significance.

Ambry Genetics
Classification: Uncertain significance for Inborn genetic diseases. Last evaluated: 2024-05-29. Review status: criteria provided, single submitter. Criteria: Ambry Variant Classification Scheme 2023. Collection method: clinical testing. Allele origin: germline.